The following is an entry in ClinVar:

NM_000709.4(BCKDHA):c.376-2A>G

Gene: BCKDHA (branched chain keto acid dehydrogenase E1 subunit alpha; plus strand). Cytogenetic location: 19q13.2.
Variant type: single nucleotide variant.
Coding change: c.376-2A>G on transcript NM_000709.4 (MANE Select); the canonical splice acceptor site of the intron before coding-DNA position 376, A replaced by G.
Molecular consequence: splice acceptor variant.
Genome position (GRCh38, 1-based): chr19:41,414,047, A>G. VCF-style: chr19-41414047-A-G. GRCh37 (hg19) VCF-style: chr19-41919952-A-G.
Other names: c.376-2A>G (NM_001164783.2).
Identifiers: ClinVar variation 2680116 (VCV002680116.5), dbSNP rs1322799946, ClinGen allele CA406007556.

ClinVar aggregate classification (germline): Likely pathogenic. Review status: criteria provided, multiple submitters, no conflicts (2 of 4 stars). 3 submissions from 3 submitters: Likely pathogenic (3). Last evaluated 2024-02-12.

Conditions:
Maple syrup urine disease (MSUD). Identifiers: Orphanet 511, MedGen C0024776, MeSH D008375, MONDO:0009563. Disease mechanism: loss of function.
Maple syrup urine disease type 1A (MSUD1A). Also called: MSUD type 1A. Identifiers: MedGen C1855369, MONDO:0023691, OMIM 248600.

Allele frequency attached by ClinVar (database versions not stated): gnomAD exomes below 0.00001; gnomAD 0.00001; TOPMed 0.00001.
gnomAD v4.1: 2 of 1,613,126 alleles (0.00012%); highest among the groups gnomAD compares: African/African-American, 0.0013%; no homozygotes.

Submissions (3):

Fulgent Genetics
Classification: Likely pathogenic for Maple syrup urine disease type 1A. Last evaluated: 2024-02-12. Review status: criteria provided, single submitter. Criteria: ACMG Guidelines, 2015. Collection method: clinical testing. Allele origin: germline.

Labcorp Genetics (formerly Invitae), Labcorp
Classification: Likely pathogenic for Maple syrup urine disease. Last evaluated: 2024-01-18. Review status: criteria provided, single submitter. Criteria: Invitae Variant Classification Sherloc (09022015). Collection method: clinical testing. Allele origin: germline.
Comment: This sequence change affects an acceptor splice site in intron 3 of the BCKDHA gene. It is expected to disrupt RNA splicing. Variants that disrupt the donor or acceptor splice site typically lead to a loss of protein function (PMID: 16199547), and loss-of-function variants in BCKDHA are known to be pathogenic (PMID: 16786533, 22593002). This variant is present in population databases (no rsID available, gnomAD 0.01%). This variant has not been reported in the literature in individuals affected with BCKDHA-related conditions. Algorithms developed to predict the effect of sequence changes on RNA splicing suggest that this variant may disrupt the consensus splice site. In summary, the currently available evidence indicates that the variant is pathogenic, but additional data are needed to prove that conclusively. Therefore, this variant has been classified as Likely Pathogenic.

Baylor Genetics
Classification: Likely pathogenic for Maple syrup urine disease type 1A. Last evaluated: 2023-08-01. Review status: criteria provided, single submitter. Criteria: ACMG Guidelines, 2015. Collection method: clinical testing. Allele origin: unknown.

Literature cited by the submitters: PubMed 16199547 (cited by Labcorp Genetics (formerly Invitae), Labcorp); PubMed 16786533 (cited by Labcorp Genetics (formerly Invitae), Labcorp); PubMed 22593002 (cited by Labcorp Genetics (formerly Invitae), Labcorp).